The following is an entry in ClinVar:

NM_001165963.4(SCN1A):c.4514A>T (p.Lys1505Met)

Genes: SCN1A (sodium voltage-gated channel alpha subunit 1; minus strand), LOC102724058 (uncharacterized LOC102724058; plus strand). Cytogenetic location: 2q24.3.
Variant type: single nucleotide variant.
Coding change: c.4514A>T on transcript NM_001165963.4 (MANE Select); coding-DNA position 4514, A replaced by T.
Protein change: p.Lys1505Met; replaces lysine 1505 with methionine.
Molecular consequence: missense variant. On other transcripts: non-coding transcript variant (1).
Genome position (GRCh38, 1-based): chr2:165,996,080, T>A on the plus strand (A>T on the coding strand, the complement: SCN1A is on the minus strand). VCF-style: chr2-165996080-T-A. GRCh37 (hg19) VCF-style: chr2-166852590-T-A.
Other names: c.4430A>T, p.Lys1477Met (NM_001353958.2, NM_001165964.3, NM_001353957.2); c.4427A>T, p.Lys1476Met (NM_001353960.2); c.2072A>T, p.Lys691Met (NM_001353961.2); c.4481A>T, p.Lys1494Met (NM_006920.6, NM_001353949.2, NM_001353950.2 and 2 more transcripts); c.4514A>T, p.Lys1505Met (NM_001202435.3, NM_001353948.2); c.4478A>T, p.Lys1493Met (NM_001353954.2, NM_001353955.2); short protein forms K1477M, K1505M, K1476M, K1493M, K1494M, K691M.
Identifiers: ClinVar variation 2841322 (VCV002841322.3), dbSNP rs2468377163, ClinGen allele CA349048763.

ClinVar aggregate classification (germline): Uncertain significance (1 of 4 stars; one submission).

Conditions:
Early-infantile DEE. Also called: Early infantile epileptic encephalopathy; Early infantile epileptic encephalopathy with suppression bursts; Ohtahara syndrome. Identifiers: Orphanet 1934, MedGen C0393706, MONDO:0800491.

Submission:

Labcorp Genetics (formerly Invitae), Labcorp
Classification: Uncertain significance for Early-infantile DEE. Last evaluated: 2023-02-27. Review status: criteria provided, single submitter. Criteria: Invitae Variant Classification Sherloc (09022015). Collection method: clinical testing. Allele origin: germline.
Comment: This variant is not present in population databases (gnomAD no frequency). This sequence change replaces lysine, which is basic and polar, with methionine, which is neutral and non-polar, at codon 1505 of the SCN1A protein (p.Lys1505Met). In summary, the available evidence is currently insufficient to determine the role of this variant in disease. Therefore, it has been classified as a Variant of Uncertain Significance. Advanced modeling of protein sequence and biophysical properties (such as structural, functional, and spatial information, amino acid conservation, physicochemical variation, residue mobility, and thermodynamic stability) performed at Invitae indicates that this missense variant is expected to disrupt SCN1A protein function. This variant has not been reported in the literature in individuals affected with SCN1A-related conditions.